The following is an entry in ClinVar:

ClinVar aggregate classification (germline): Benign/Likely benign. Review status: criteria provided, multiple submitters, no conflicts (2 of 4 stars). 16 submissions from 16 submitters: Benign (8); Likely benign (3). 5 of the submissions do not count toward it. Last evaluated 2026-02-03.

Conditions:
DSG2-related disorder. Also called: DSG2-related condition.
Cardiovascular phenotype. Identifiers: MedGen CN230736.
Cardiomyopathy (CMYO). Also called: Cardiomyopathies. Identifiers: Orphanet 167848, MedGen C0878544, MONDO:0004994, HP:0001638. Inheritance: Various modes of inheritance.
Arrhythmogenic right ventricular cardiomyopathy (ARVD). Also called: Arrhythmogenic cardiomyopathy; Arrhythmogenic Right Ventricular Cardiomyopathy (ARVC); Cardiomyopathy, ARVC; Arrhythmogenic right ventricular dysplasia. Identifiers: Orphanet 247, MedGen C0349788, MeSH D019571, MONDO:0016587. Disease mechanism: loss of function. Inheritance: Various modes of inheritance.
Arrhythmogenic right ventricular dysplasia 10. Also called: Arrhythmogenic right ventricular dysplasia/cardiomyopathy, type 10; ARRHYTHMOGENIC RIGHT VENTRICULAR DYSPLASIA, FAMILIAL, 10; Arrhythmogenic Right Ventricular Dysplasia/Cardiomyopathy10. Identifiers: MedGen C1857777, MONDO:0012434, OMIM 610193.

Allele frequency attached by ClinVar (database versions not stated): gnomAD 0.00002 and 0.00055; TOPMed 0.00008; gnomAD exomes 0.00095 and 0.00204; ExAC 0.00230; 1000 Genomes Project 30x 0.00328; 1000 Genomes Project 0.00339.
gnomAD v4.1: 1,462 of 1,614,192 alleles (0.091%); highest among the groups gnomAD compares: South Asian, 1.5%; 22 homozygotes.

Submissions (16):

Labcorp Genetics (formerly Invitae), Labcorp
Classification: Benign for Arrhythmogenic right ventricular dysplasia 10. Last evaluated: 2026-02-03. Review status: criteria provided, single submitter. Criteria: Invitae Variant Classification Sherloc (09022015). Collection method: clinical testing. Allele origin: germline.

Molecular Diagnostic Laboratory for Inherited Cardiovascular Disease, Montreal Heart Institute
Classification: Benign. Last evaluated: 2025-04-09. Review status: criteria provided, single submitter. Criteria: ACMG Guidelines, 2015. Collection method: clinical testing. Allele origin: germline. Affected: no.

Blueprint Genetics
Classification: Likely benign. Last evaluated: 2024-11-27. Review status: criteria provided, single submitter. Criteria: ACMG Guidelines, 2015. Collection method: clinical testing. Allele origin: germline.

Women's Health and Genetics/Laboratory Corporation of America, LabCorp
Classification: Benign. Last evaluated: 2024-11-26. Review status: criteria provided, single submitter. Criteria: LabCorp Variant Classification Summary - May 2015. Collection method: clinical testing. Allele origin: germline.

All of Us Research Program, National Institutes of Health
Classification: Benign for Arrhythmogenic right ventricular cardiomyopathy. Last evaluated: 2024-02-05. Review status: criteria provided, single submitter. Criteria: ACMG Guidelines, 2015. Collection method: clinical testing. Allele origin: germline. Inheritance: Autosomal dominant inheritance. Observed: 50 variant alleles, 50 heterozygotes.
Comment: This study involves interpretation of variants in research participants for the purpose of population health screening. Participant phenotype was not available at the time of variant classification. Additional details can be found in publication PMID: 35346344, PMCID: PMC8962531

CHEO Genetics Diagnostic Laboratory, Children's Hospital of Eastern Ontario
Classification: Benign for Cardiomyopathy. Last evaluated: 2020-12-22. Review status: criteria provided, single submitter. Criteria: ACMG Guidelines, 2015. Collection method: clinical testing. Allele origin: germline.

Color Diagnostics, LLC DBA Color Health
Classification: Benign for Cardiomyopathy. Last evaluated: 2018-04-08. Review status: criteria provided, single submitter. Criteria: ACMG Guidelines, 2015. Collection method: clinical testing. Allele origin: germline.

Illumina Laboratory Services, Illumina
Classification: Likely benign for Arrhythmogenic right ventricular dysplasia 10. Last evaluated: 2018-01-12. Review status: criteria provided, single submitter. Criteria: ICSL Variant Classification Criteria 13 December 2019. Collection method: clinical testing. Allele origin: germline.
Comment: This variant was observed in the ICSL laboratory as part of a predisposition screen in an ostensibly healthy population. It had not been previously curated by ICSL or reported in the Human Gene Mutation Database (HGMD: prior to June 1st, 2018), and was therefore a candidate for classification through an automated scoring system. Utilizing variant allele frequency, disease prevalence and penetrance estimates, and inheritance mode, an automated score was calculated to assess if this variant is too frequent to cause the disease. Based on the score and internal cut-off values, a variant classified as likely benign is not then subjected to further curation. The score for this variant resulted in a classification of likely benign for this disease.

Ambry Genetics
Classification: Benign for Cardiovascular phenotype. Last evaluated: 2017-04-07. Review status: criteria provided, single submitter. Criteria: Ambry Variant Classification Scheme 2023. Collection method: clinical testing. Allele origin: germline.

GeneDx
Classification: Benign. Last evaluated: 2016-12-05. Review status: criteria provided, single submitter. Criteria: GeneDx Variant Classification (06012015). Collection method: clinical testing. Allele origin: germline. Affected: yes.
Comment: This variant is considered likely benign or benign based on one or more of the following criteria: it is a conservative change, it occurs at a poorly conserved position in the protein, it is predicted to be benign by multiple in silico algorithms, and/or has population frequency not consistent with disease.

Laboratory for Molecular Medicine, Mass General Brigham Personalized Medicine
Classification: Likely benign. Last evaluated: 2012-02-21. Review status: criteria provided, single submitter. Criteria: LMM Criteria. Collection method: clinical testing. Allele origin: germline. Observed: 3 variant alleles.
Comment: Gly638Gly in exon 13 of DSG2: This variant is not expected to have clinical sign ificance because it does not alter an amino acid residue and is not located with in the splice consensus sequence. Gly638Gly in exon 13 of DSG2 (allele frequenc y = n/a)

PreventionGenetics, part of Exact Sciences
Classification: Benign for DSG2-related condition. Last evaluated: 2024-02-07. Review status: no assertion criteria provided. Collection method: clinical testing. Allele origin: germline. Not counted in ClinVar's aggregate classification.
Comment: This variant is classified as benign based on ACMG/AMP sequence variant interpretation guidelines (Richards et al. 2015 PMID: 25741868, with internal and published modifications).

Clinical Genetics DNA and cytogenetics Diagnostics Lab, Erasmus MC, Erasmus Medical Center
Classification: Likely benign. Review status: no assertion criteria provided. Collection method: clinical testing. Allele origin: germline. Affected: yes. Study: VKGL Data-share Consensus. Not counted in ClinVar's aggregate classification.

Clinical Genetics, Academic Medical Center
Classification: Benign. Review status: no assertion criteria provided. Collection method: clinical testing. Allele origin: germline. Affected: yes. Study: VKGL Data-share Consensus. Not counted in ClinVar's aggregate classification.

Genome Diagnostics Laboratory, University Medical Center Utrecht
Classification: Benign. Review status: no assertion criteria provided. Collection method: clinical testing. Allele origin: germline. Affected: yes. Study: VKGL Data-share Consensus. Not counted in ClinVar's aggregate classification.

Joint Genome Diagnostic Labs from Nijmegen and Maastricht, Radboudumc and MUMC+
Classification: Benign. Review status: no assertion criteria provided. Collection method: clinical testing. Allele origin: germline. Affected: yes. Study: VKGL Data-share Consensus. Not counted in ClinVar's aggregate classification.

NM_001943.5(DSG2):c.1914A>G (p.Gly638=)

Gene: DSG2 (desmoglein 2; plus strand). Cytogenetic location: 18q12.1.
Variant type: single nucleotide variant.
Coding change: c.1914A>G on transcript NM_001943.5 (MANE Select); coding-DNA position 1914, A replaced by G.
Protein change: p.Gly638=; no amino-acid change (glycine 638 retained).
Molecular consequence: synonymous variant.
Genome position (GRCh38, 1-based): chr18:31,541,227, A>G. VCF-style: chr18-31541227-A-G. GRCh37 (hg19) VCF-style: chr18-29121190-A-G.
Identifiers: ClinVar variation 44293 (VCV000044293.38), dbSNP rs200395484, ClinGen allele CA021631.